The following is an entry in ClinVar:

ClinVar aggregate classification (germline): Likely benign. Review status: reviewed by expert panel (3 of 4 stars). 9 submissions from 9 submitters: Likely benign (1). 8 of the submissions do not count toward it. Last evaluated 2017-06-29.

Conditions:
Hereditary breast ovarian cancer syndrome. Also called: Hereditary breast and ovarian cancer syndrome; Hereditary breast and ovarian cancer; Hereditary breast and ovarian cancer syndrome (HBOC); Breast and ovarian cancer; Hereditary breast and/or ovarian cancer syndrome; BRCA1- and BRCA2-Associated Hereditary Breast and Ovarian Cancer. Identifiers: Orphanet 145, MedGen C0677776, MeSH D061325, MONDO:0003582. Disease mechanism: loss of function.
Hereditary cancer-predisposing syndrome. Also called: Neoplastic Syndromes, Hereditary; Tumor predisposition; Hereditary neoplastic syndrome; Hereditary Cancer Syndrome. Identifiers: Orphanet 140162, MedGen C0027672, MeSH D009386, MONDO:0015356.
Breast-ovarian cancer, familial, susceptibility to, 2 (BROVCA2). Also called: BRCA2 Hereditary Breast and Ovarian Cancer. Identifiers: Orphanet 145, MedGen C2675520, MONDO:0012933, OMIM 612555. Disease mechanism: loss of function.

Allele frequency attached by ClinVar (database versions not stated): gnomAD exomes below 0.00001; gnomAD 0.00001; TOPMed 0.00002.
gnomAD v4.1: 7 of 1,613,912 alleles (0.00043%); highest among the groups gnomAD compares: East Asian, 0.0022%; no homozygotes.

Submissions (9):

Evidence-based Network for the Interpretation of Germline Mutant Alleles (ENIGMA)
Classification: Likely benign for Breast-ovarian cancer, familial, susceptibility to, 2. Last evaluated: 2017-06-29. Review status: reviewed by expert panel. Criteria: ENIGMA BRCA1/2 Classification Criteria (2017-06-29). Collection method: curation. Allele origin: germline.
Comment: Synonymous substitution variant, with low bioinformatic likelihood to result in a splicing aberration (Splicing prior probability 0.02).

Labcorp Genetics (formerly Invitae), Labcorp
Classification: Likely benign for Hereditary breast ovarian cancer syndrome. Last evaluated: 2025-11-10. Review status: criteria provided, single submitter. Criteria: Invitae Variant Classification Sherloc (09022015). Collection method: clinical testing. Allele origin: germline. Not counted in ClinVar's aggregate classification.

All of Us Research Program, National Institutes of Health
Classification: Likely benign for Breast-ovarian cancer, familial, susceptibility to, 2. Last evaluated: 2023-11-20. Review status: criteria provided, single submitter. Criteria: ACMG Guidelines, 2015. Collection method: clinical testing. Allele origin: germline. Inheritance: Autosomal dominant inheritance. Observed: 2 variant alleles, 2 heterozygotes. Not counted in ClinVar's aggregate classification.
Comment: This study involves interpretation of variants in research participants for the purpose of population health screening. Participant phenotype was not available at the time of variant classification. Additional details can be found in publication PMID: 35346344, PMCID: PMC8962531

Quest Diagnostics Nichols Institute San Juan Capistrano
Classification: Likely benign. Last evaluated: 2021-07-21. Review status: criteria provided, single submitter. Criteria: Quest Diagnostics criteria. Collection method: clinical testing. Allele origin: unknown. Not counted in ClinVar's aggregate classification.

GeneDx
Classification: Likely benign. Last evaluated: 2019-09-20. Review status: criteria provided, single submitter. Criteria: GeneDx Variant Classification Process June 2021. Collection method: clinical testing. Allele origin: germline. Affected: yes. Not counted in ClinVar's aggregate classification.
Comment: Not observed in large population cohorts (Lek 2016)

Women's Health and Genetics/Laboratory Corporation of America, LabCorp
Classification: Likely benign. Last evaluated: 2019-03-26. Review status: criteria provided, single submitter. Criteria: LabCorp Variant Classification Summary - May 2015. Collection method: clinical testing. Allele origin: germline. Not counted in ClinVar's aggregate classification.
Comment: Variant summary: BRCA2 c.7182A>G alters a non-conserved nucleotide resulting in a synonymous change. 4/5 computational tools predict no significant impact on normal splicing. However, these predictions have yet to be confirmed by functional studies. The variant was absent in 246054 control chromosomes. The available data on variant occurrences in the general population are insufficient to allow any conclusion about variant significance. To our knowledge, no occurrence of c.7182A>G in individuals affected with Hereditary Breast and Ovarian Cancer and no experimental evidence demonstrating its impact on protein function have been reported. Co-occurrences with other pathogenic variant(s) have been reported (BRCA1 c.1961delA, p.Lys654SerfsX47), providing supporting evidence for a benign role. Four clinical diagnostic laboratories have submitted clinical-significance assessments for this variant to ClinVar after 2014 without evidence for independent evaluation (1 VUS, 3 likely benign). Based on the evidence outlined above, the variant was classified as likely benign.

Color Diagnostics, LLC DBA Color Health
Classification: Likely benign for Hereditary cancer-predisposing syndrome. Last evaluated: 2016-03-04. Review status: criteria provided, single submitter. Criteria: ACMG Guidelines, 2015. Collection method: clinical testing. Allele origin: germline. Not counted in ClinVar's aggregate classification.

Ambry Genetics
Classification: Likely benign for Hereditary cancer-predisposing syndrome. Last evaluated: 2016-02-29. Review status: criteria provided, single submitter. Criteria: Ambry Variant Classification Scheme 2023. Collection method: clinical testing. Allele origin: germline. Not counted in ClinVar's aggregate classification.

Breast Cancer Information Core (BIC) (BRCA2)
Classification: Uncertain significance for Breast-ovarian cancer, familial 2. Last evaluated: 2007-01-18. Review status: no assertion criteria provided. Collection method: clinical testing. Allele origin: germline. Affected: yes. Observed: 1 variant allele. Not counted in ClinVar's aggregate classification.

Literature cited by the submitters: PubMed 14973102 (cited by Quest Diagnostics Nichols Institute San Juan Capistrano).

NM_000059.4(BRCA2):c.7182A>G (p.Arg2394=)

Gene: BRCA2 (BRCA2 DNA repair associated; plus strand). Cytogenetic location: 13q13.1.
Variant type: single nucleotide variant.
Coding change: c.7182A>G on transcript NM_000059.4 (MANE Select); coding-DNA position 7182, A replaced by G.
Protein change: p.Arg2394=; no amino-acid change (arginine 2394 retained).
Molecular consequence: synonymous variant.
Genome position (GRCh38, 1-based): chr13:32,355,035, A>G. VCF-style: chr13-32355035-A-G. GRCh37 (hg19) VCF-style: chr13-32929172-A-G.
Other names: R2394R.
Identifiers: ClinVar variation 52280 (VCV000052280.23), dbSNP rs80359797, ClinGen allele CA024931.